The following is an entry in ClinVar:

ClinVar aggregate classification (germline): Uncertain significance (1 of 4 stars; one submission).

Conditions:
Hereditary spastic paraplegia 39 (SPG39). Also called: SPASTIC PARAPLEGIA 39, AUTOSOMAL RECESSIVE; Spastic Paraplegia Type 39 (SPG39). Identifiers: Orphanet 139480, MedGen C2677586, MONDO:0012787, OMIM 612020.

Allele frequency attached by ClinVar (database versions not stated): gnomAD 0.00001; gnomAD exomes 0.00002.
gnomAD v4.1: 10 of 1,611,956 alleles (0.00062%); highest among the groups gnomAD compares: East Asian, 0.022%; no homozygotes.

Submission:

Labcorp Genetics (formerly Invitae), Labcorp
Classification: Uncertain significance for Hereditary spastic paraplegia 39. Last evaluated: 2022-05-08. Review status: criteria provided, single submitter. Criteria: Invitae Variant Classification Sherloc (09022015). Collection method: clinical testing. Allele origin: germline.
Comment: This sequence change replaces alanine, which is neutral and non-polar, with valine, which is neutral and non-polar, at codon 240 of the PNPLA6 protein (p.Ala240Val). In summary, the available evidence is currently insufficient to determine the role of this variant in disease. Therefore, it has been classified as a Variant of Uncertain Significance. Algorithms developed to predict the effect of missense changes on protein structure and function are either unavailable or do not agree on the potential impact of this missense change (SIFT: "Tolerated"; PolyPhen-2: "Possibly Damaging"; Align-GVGD: "Class C0"). This variant has not been reported in the literature in individuals affected with PNPLA6-related conditions. This variant is present in population databases (no rsID available, gnomAD 0.006%).

NM_001166114.2(PNPLA6):c.836C>T (p.Ala279Val)

Gene: PNPLA6 (patatin like domain 6, lysophospholipase; plus strand). Cytogenetic location: 19p13.2.
Variant type: single nucleotide variant.
Coding change: c.836C>T on transcript NM_001166114.2 (MANE Select); coding-DNA position 836, C replaced by T.
Protein change: p.Ala279Val; replaces alanine 279 with valine.
Molecular consequence: missense variant.
Genome position (GRCh38, 1-based): chr19:7,540,963, C>T. VCF-style: chr19-7540963-C-T. GRCh37 (hg19) VCF-style: chr19-7605849-C-T.
Other names: c.863C>T, p.Ala288Val (NM_001166111.2); c.719C>T, p.Ala240Val (NM_001166112.2, NM_001166113.1, NM_006702.5); short protein forms A240V, A279V, A288V.
Identifiers: ClinVar variation 1946214 (VCV001946214.5), dbSNP rs1459975794, ClinGen allele CA403106253.